The following is an entry in ClinVar:

ClinVar aggregate classification (germline): Conflicting classifications of pathogenicity. Review status: criteria provided, conflicting classifications (1 of 4 stars). 5 submissions from 5 submitters: Uncertain significance (2); Likely benign (3). Last evaluated 2025-12-17.

Conditions:
Hereditary cancer. Identifiers: MedGen C1333600.
Hereditary cancer-predisposing syndrome. Also called: Hereditary Cancer Syndrome; Hereditary neoplastic syndrome; Tumor predisposition; Neoplastic Syndromes, Hereditary. Identifiers: Orphanet 140162, MedGen C0027672, MeSH D009386, MONDO:0015356.
Familial cancer of breast. Also called: BREAST CANCER, FAMILIAL; hereditary breast carcinoma; Hereditary breast cancer. Identifiers: Orphanet 227535, MedGen C0346153, MONDO:0016419, OMIM 114480. Disease mechanism: loss of function.

Allele frequency attached by ClinVar (database versions not stated): gnomAD 0.00001; gnomAD exomes 0.00002; ExAC 0.00003.
gnomAD v4.1: 10 of 1,613,092 alleles (0.00062%); highest among the groups gnomAD compares: Non-Finnish European, 0.00076%; no homozygotes.

Submissions (5):

Labcorp Genetics (formerly Invitae), Labcorp
Classification: Likely benign for Familial cancer of breast. Last evaluated: 2025-12-17. Review status: criteria provided, single submitter. Criteria: Invitae Variant Classification Sherloc (09022015). Collection method: clinical testing. Allele origin: germline.

Mendelics
Classification: Likely benign for Hereditary cancer. Last evaluated: 2025-02-26. Review status: criteria provided, single submitter. Criteria: ACMG Guidelines, 2015. Collection method: clinical testing. Allele origin: unknown.
Comment: This variant is considered likely benign or benign based on one or more of the following: it is predicted to be benign by multiple in silico algorithms, and/or has population frequency not consistent with disease, and/or has normal protein function, and/or has lack of segregation with disease, and/or has been detected in co-occurrence with known pathogenic variant, and/or has lack of disease association in case-control studies, and/or is located in a region inconsistent with a known cause of pathogenicity.

GeneDx
Classification: Uncertain significance. Last evaluated: 2021-11-11. Review status: criteria provided, single submitter. Criteria: GeneDx Variant Classification Process June 2021. Collection method: clinical testing. Allele origin: germline. Affected: yes.
Comment: Not observed at significant frequency in large population cohorts (Lek 2016); Has not been previously published as pathogenic or benign to our knowledge; In-silico analysis, which includes splice predictors and evolutionary conservation, is inconclusive as to whether the variant alters gene splicing. In the absence of RNA/functional studies, the actual effect of this sequence change is unknown.

Sema4
Classification: Uncertain significance for Hereditary cancer-predisposing syndrome. Last evaluated: 2021-08-19. Review status: criteria provided, single submitter. Criteria: Sema4 Curation Guidelines. Collection method: curation. Allele origin: germline.
Comment: The BARD1 c.2002-12T>G variant has not been reported in the literature to our knowledge. It was observed in 4/112048 chromosomes of the Non-Finnish European subpopulation in the large and broad cohorts of the Genome Aggregation Database (PMID: 32461654). The variant has been reported in ClinVar (Variation ID 127729). In silico tools developed to predict the effect of sequence changes on RNA splicing suggest negative effect on normal splicing, though these predictions have not been confirmed by functional studies. The evidence is insufficient to meet ACMG/AMP criteria for classifying the variant as benign or pathogenic. Thus, the clinical significance of this variant is currently uncertain.

Color Diagnostics, LLC DBA Color Health
Classification: Likely benign for Hereditary cancer-predisposing syndrome. Last evaluated: 2017-02-28. Review status: criteria provided, single submitter. Criteria: ACMG Guidelines, 2015. Collection method: clinical testing. Allele origin: germline.

NM_000465.4(BARD1):c.2002-12T>G

Gene: BARD1 (BRCA1 associated RING domain 1; minus strand). Cytogenetic location: 2q35.
Variant type: single nucleotide variant.
Coding change: c.2002-12T>G on transcript NM_000465.4 (MANE Select); 12 bases into the intron before coding-DNA position 2002, T replaced by G.
Molecular consequence: intron variant.
Genome position (GRCh38, 1-based): chr2:214,729,020, A>C on the plus strand (T>G on the coding strand, the complement: BARD1 is on the minus strand). VCF-style: chr2-214729020-A-C. GRCh37 (hg19) VCF-style: chr2-215593744-A-C.
Other names: IVS10-12T>G; c.592-12T>G (NM_001282548.2); c.1945-12T>G (NM_001282543.2); c.649-12T>G (NM_001282545.2); c.463-12T>G (NM_001282549.2); c.2002-12T>G (LRG_297t1).
Identifiers: ClinVar variation 127729 (VCV000127729.16), dbSNP rs587780027, ClinGen allele CA287532.